The following is an entry in ClinVar:

NM_000051.4(ATM):c.7262A>T (p.Lys2421Ile)

Genes: ATM (ATM serine/threonine kinase; plus strand), C11orf65 (chromosome 11 open reading frame 65; minus strand). Cytogenetic location: 11q22.3.
Variant type: single nucleotide variant.
Coding change: c.7262A>T on transcript NM_000051.4 (MANE Select); coding-DNA position 7262, A replaced by T.
Protein change: p.Lys2421Ile; replaces lysine 2421 with isoleucine.
Molecular consequence: missense variant. On other transcripts: intron variant (2).
Genome position (GRCh38, 1-based): chr11:108,329,193, A>T. VCF-style: chr11-108329193-A-T. GRCh37 (hg19) VCF-style: chr11-108199920-A-T.
Other names: c.7262A>T, p.Lys2421Ile (NM_001351834.2); c.641-20122T>A (NM_001330368.2); c.*38+6027T>A (NM_001351110.2); short protein forms K2421I.
Identifiers: ClinVar variation 647763 (VCV000647763.12), dbSNP rs1360453074, ClinGen allele CA382559748.

ClinVar aggregate classification (germline): Uncertain significance. Review status: criteria provided, multiple submitters, no conflicts (2 of 4 stars). 2 submissions from 2 submitters: Uncertain significance (2). Last evaluated 2024-11-11.

Conditions:
Hereditary cancer-predisposing syndrome. Also called: Tumor predisposition; Hereditary neoplastic syndrome; Neoplastic Syndromes, Hereditary; Hereditary Cancer Syndrome. Identifiers: Orphanet 140162, MedGen C0027672, MeSH D009386, MONDO:0015356.
Ataxia-telangiectasia syndrome (AT). Also called: Ataxia-telangiectasia, complementation group D; AT, COMPLEMENTATION GROUP C; ATAXIA-TELANGIECTASIA, COMPLEMENTATION GROUP A; ATAXIA-TELANGIECTASIA, FRESNO VARIANT; Ataxia-telangiectasia; LOUIS-BAR SYNDROME. Identifiers: Orphanet 100, MedGen C0004135, MONDO:0008840, OMIM 208900.

Allele frequency attached by ClinVar (database versions not stated): gnomAD 0.00001.
gnomAD v4.1: 1 of 1,613,968 alleles (0.000062%); highest among the groups gnomAD compares: Non-Finnish European, 0.000085%; no homozygotes.

Submissions (2):

Labcorp Genetics (formerly Invitae), Labcorp
Classification: Uncertain significance for Ataxia-telangiectasia syndrome. Last evaluated: 2024-11-11. Review status: criteria provided, single submitter. Criteria: Invitae Variant Classification Sherloc (09022015). Collection method: clinical testing. Allele origin: germline.
Comment: This sequence change replaces lysine, which is basic and polar, with isoleucine, which is neutral and non-polar, at codon 2421 of the ATM protein (p.Lys2421Ile). This variant is present in population databases (no rsID available, gnomAD 0.007%). This variant has not been reported in the literature in individuals affected with ATM-related conditions. ClinVar contains an entry for this variant (Variation ID: 647763). Invitae Evidence Modeling of protein sequence and biophysical properties (such as structural, functional, and spatial information, amino acid conservation, physicochemical variation, residue mobility, and thermodynamic stability) has been performed for this missense variant. However, the output from this modeling did not meet the statistical confidence thresholds required to predict the impact of this variant on ATM protein function. In summary, the available evidence is currently insufficient to determine the role of this variant in disease. Therefore, it has been classified as a Variant of Uncertain Significance.

Ambry Genetics
Classification: Uncertain significance for Hereditary cancer-predisposing syndrome. Last evaluated: 2024-01-02. Review status: criteria provided, single submitter. Criteria: Ambry Variant Classification Scheme 2023. Collection method: clinical testing. Allele origin: germline.
Comment: The p.K2421I variant (also known as c.7262A>T), located in coding exon 48 of the ATM gene, results from an A to T substitution at nucleotide position 7262. The lysine at codon 2421 is replaced by isoleucine, an amino acid with dissimilar properties. This amino acid position is conserved. In addition, the in silico prediction for this alteration is inconclusive. Since supporting evidence is limited at this time, the clinical significance of this alteration remains unclear.